The following is an entry in ClinVar:

ClinVar aggregate classification (germline): Uncertain significance. Review status: criteria provided, multiple submitters, no conflicts (2 of 4 stars). 6 submissions from 6 submitters: Uncertain significance (5). 1 of the submissions does not count toward it. Last evaluated 2023-10-02.

Conditions:
Hereditary cancer-predisposing syndrome. Also called: Tumor predisposition; Neoplastic Syndromes, Hereditary; Hereditary Cancer Syndrome; Hereditary neoplastic syndrome. Identifiers: Orphanet 140162, MedGen C0027672, MeSH D009386, MONDO:0015356.
Hereditary breast ovarian cancer syndrome. Also called: Hereditary breast and ovarian cancer syndrome (HBOC); Hereditary breast and ovarian cancer syndrome; Hereditary breast and ovarian cancer; Hereditary breast and/or ovarian cancer syndrome; Breast and ovarian cancer; BRCA1- and BRCA2-Associated Hereditary Breast and Ovarian Cancer. Identifiers: Orphanet 145, MedGen C0677776, MeSH D061325, MONDO:0003582. Disease mechanism: loss of function.
Breast-ovarian cancer, familial, susceptibility to, 1 (BROVCA1). Also called: OVARIAN CANCER, SUSCEPTIBILITY TO; BRCA1 Hereditary Breast and Ovarian Cancer. Identifiers: Orphanet 145, MedGen C2676676, MONDO:0011450, OMIM 604370. Disease mechanism: loss of function.

Submissions (7):

Baylor Genetics
Classification: Uncertain significance for Breast-ovarian cancer, familial, susceptibility to, 1. Last evaluated: 2023-10-02. Review status: criteria provided, single submitter. Criteria: ACMG Guidelines, 2015. Collection method: clinical testing. Allele origin: unknown.

Quest Diagnostics Nichols Institute San Juan Capistrano
Classification: Uncertain significance. Last evaluated: 2021-01-05. Review status: criteria provided, single submitter. Criteria: Quest Diagnostics criteria. Collection method: clinical testing. Allele origin: unknown.

Labcorp Genetics (formerly Invitae), Labcorp
Classification: Uncertain significance for Hereditary breast ovarian cancer syndrome. Last evaluated: 2020-10-16. Review status: criteria provided, single submitter. Criteria: Invitae Variant Classification Sherloc (09022015). Collection method: clinical testing. Allele origin: germline.
Comment: This variant has been reported in individuals in the Breast Cancer Information Core database (PMID: 10923033). ClinVar contains an entry for this variant (Variation ID: 54219). Algorithms developed to predict the effect of sequence changes on RNA splicing suggest that this variant may disrupt the consensus splice site, but this prediction has not been confirmed by published transcriptional studies. This variant has been reported to have conflicting or insufficient data to determine the effect on BRCA1 protein function (PMID: 30209399, 25823446, 16403807). This variant is not present in population databases (ExAC no frequency). This sequence change replaces lysine with asparagine at codon 45 of the BRCA1 protein (p.Lys45Asn). The lysine residue is moderately conserved and there is a moderate physicochemical difference between lysine and asparagine. In summary, the available evidence is currently insufficient to determine the role of this variant in disease. Therefore, it has been classified as a Variant of Uncertain Significance.

Ambry Genetics
Classification: Uncertain significance for Hereditary cancer-predisposing syndrome. Last evaluated: 2020-09-22. Review status: criteria provided, single submitter. Criteria: Ambry Variant Classification Scheme 2023. Collection method: clinical testing. Allele origin: germline.
Comment: The p.K45N variant (also known as c.135A>T) is located in coding exon 3 of the BRCA1 gene. The lysine at codon 45 is replaced by asparagine, an amino acid with similar properties. This change occurs in the first base pair of coding exon 3. This alteration is functional in multiple assays that ascertain both RNA and DNA effects including BARD1 binding activity and a haploid cell survival assay (Starita LM et al. Genetics, 2015 Jun;200:413-22; Findlay GM et al. Nature, 2018 10;562:217-222; Morris JR et al. Hum. Mol. Genet., 2006 Feb;15:599-606). This nucleotide position is well conserved in available vertebrate species. In silico splice site analysis predicts that this alteration may weaken the native splice acceptor site. RNA studies have demonstrated that this alteration results in an incomplete splice defect; the clinical impact of this abnormal splicing is unknown at this time (Ambry internal data). This amino acid position is well conserved in available vertebrate species. In addition, this alteration is predicted to be tolerated by the in silico analysis for this amino acid substitution. Since supporting evidence is conflicting at this time, the clinical significance of this alteration remains unclear.

Women's Health and Genetics/Laboratory Corporation of America, LabCorp
Classification: Uncertain significance. Last evaluated: 2016-06-21. Review status: criteria provided, single submitter. Criteria: LabCorp Variant Classification Summary - May 2015. Collection method: clinical testing. Allele origin: germline.
Comment: Variant summary: The BRCA1 c.135A>T (p.Lys45Asn) variant involves the alteration of a non-conserved nucleotide and results in a replacement of a large size and basic Lysine (K) with a medium size and polar Asparagine (N) located in the central RING domain (residues 23-76) of BRCA1. 4/5 in silico tools predict a damaging outcome for this substitution. This variant is absent in 111484 control chromosomes and to our knowledge, it was not reported in HBOC patients by publications at the time of classification. Functional studies demonstrated to variant to retain BRAD1 interaction while disrupt UbcH5a binding and E3 ligase activity of BRCA1. However, studies reporting BRCA1 tumor suppression being dependent on the ablation of phosphoprotein binding but not on its E3 ligase activity pose a challenge in using this as a measure of molecular pathogenesis in-vivo (Shakya_2011). Based on the available information, the neutrality or pathogenicity of the variant cannot be established with certainty, therefore it was classified as a variant of uncertain significance until more information becomes available.

Breast Cancer Information Core (BIC) (BRCA1)
Classification: Uncertain significance for Breast-ovarian cancer, familial 1. Last evaluated: 2002-05-29. Review status: no assertion criteria provided. Collection method: clinical testing. Allele origin: germline. Affected: yes. Observed: 3 variant alleles. Not counted in ClinVar's aggregate classification.

Brotman Baty Institute, University of Washington
No classification provided (evidence only). Condition: Breast-ovarian cancer, familial 1. Review status: no classification provided. Collection method: in vitro. Allele origin: not applicable. Functional consequence: functionally_normal. Not counted in ClinVar's aggregate classification.
ClinVar note: "not provided" was previously submitted as the classification for the variant. However, the classification appeared to be based only on an observation of functional data so it was converted to no classification on 2025-07-30.

Literature cited by the submitters: PubMed 30209399 (cited by 3 submitters); PubMed 25823446 (cited by 4 submitters); PubMed 15235020 (cited by 3 submitters); PubMed 16403807 (cited by 4 submitters); PubMed 10923033 (cited by Labcorp Genetics (formerly Invitae), Labcorp); PubMed 16267036 (cited by Ambry Genetics and Women's Health and Genetics/Laboratory Corporation of America, LabCorp); PubMed 19543972 (cited by Ambry Genetics); PubMed 21309043 (cited by Ambry Genetics and Women's Health and Genetics/Laboratory Corporation of America, LabCorp); PubMed 24489791 (cited by Ambry Genetics and Women's Health and Genetics/Laboratory Corporation of America, LabCorp).

NM_007294.4(BRCA1):c.135A>T (p.Lys45Asn)

Gene: BRCA1 (BRCA1 DNA repair associated; minus strand). Cytogenetic location: 17q21.31.
Variant type: single nucleotide variant.
Coding change: c.135A>T on transcript NM_007294.4 (MANE Select); coding-DNA position 135, A replaced by T.
Protein change: p.Lys45Asn; replaces lysine 45 with asparagine.
Molecular consequence: missense variant. On other transcripts: 5 prime UTR variant (1), non-coding transcript variant (1).
Genome position (GRCh38, 1-based): chr17:43,106,533, T>A on the plus strand (A>T on the coding strand, the complement: BRCA1 is on the minus strand). VCF-style: chr17-43106533-T-A. GRCh37 (hg19) VCF-style: chr17-41258550-T-A.
Other names: c.-54A>T (NM_001407571.1, NM_001407853.1, NM_001407879.1 and 58 more transcripts); c.135A>T, p.Lys45Asn (NM_001407581.1, NM_001407582.1, NM_001407583.1 and 168 more transcripts); c.-7A>T (NM_001407692.1, NM_001407694.1, NM_001407695.1 and 99 more transcripts); short protein forms K45N.
Identifiers: ClinVar variation 54219 (VCV000054219.17), dbSNP rs80356883, ClinGen allele CA000905.